The following is an entry in ClinVar:

NM_032229.3(SLITRK6):c.1270A>G (p.Thr424Ala)

Gene: SLITRK6 (SLIT and NTRK like family member 6; minus strand). Cytogenetic location: 13q31.1.
Variant type: single nucleotide variant.
Coding change: c.1270A>G on transcript NM_032229.3 (MANE Select); coding-DNA position 1270, A replaced by G.
Protein change: p.Thr424Ala; replaces threonine 424 with alanine.
Molecular consequence: missense variant.
Genome position (GRCh38, 1-based): chr13:85,795,239, T>C on the plus strand (A>G on the coding strand, the complement: SLITRK6 is on the minus strand). VCF-style: chr13-85795239-T-C. GRCh37 (hg19) VCF-style: chr13-86369374-T-C.
Other names: short protein forms T424A.
Identifiers: ClinVar variation 4083216 (VCV004083216.1).

ClinVar aggregate classification (germline): Uncertain significance (1 of 4 stars; one submission).

gnomAD v4.1: 16 of 1,612,592 alleles (0.00099%); highest among the groups gnomAD compares: Admixed American, 0.027%; no homozygotes.

Submission:

GeneDx
Classification: Uncertain significance. Last evaluated: 2025-03-13. Review status: criteria provided, single submitter. Criteria: GeneDx Variant Classification Process June 2021. Collection method: clinical testing. Allele origin: germline. Affected: yes.
Comment: In silico analysis indicates that this missense variant does not alter protein structure/function; Has not been previously published as pathogenic or benign to our knowledge